The following is an entry in ClinVar:

NM_006796.3(AFG3L2):c.1227C>A (p.Ile409=)

Gene: AFG3L2 (AFG3 like matrix AAA peptidase subunit 2; minus strand). Cytogenetic location: 18p11.21.
Variant type: single nucleotide variant.
Coding change: c.1227C>A on transcript NM_006796.3 (MANE Select); coding-DNA position 1227, C replaced by A.
Protein change: p.Ile409=; no amino-acid change (isoleucine 409 retained).
Molecular consequence: synonymous variant.
Genome position (GRCh38, 1-based): chr18:12,353,096, G>T on the plus strand (C>A on the coding strand, the complement: AFG3L2 is on the minus strand). VCF-style: chr18-12353096-G-T. GRCh37 (hg19) VCF-style: chr18-12353095-G-T.
Identifiers: ClinVar variation 3047282 (VCV003047282.2), dbSNP rs185454855, ClinGen allele CA8896555.

ClinVar aggregate classification (germline): Likely benign (0 of 4 stars; one submission).

Conditions:
AFG3L2-related disorder. Also called: AFG3L2-related condition.

gnomAD v4.1: 1 of 1,613,996 alleles (0.000062%); highest among the groups gnomAD compares: African/African-American, 0.0013%; no homozygotes.

Submission:

PreventionGenetics, part of Exact Sciences
Classification: Likely benign for AFG3L2-related condition. Last evaluated: 2020-05-04. Review status: no assertion criteria provided. Collection method: clinical testing. Allele origin: germline.
Comment: This variant is classified as likely benign based on ACMG/AMP sequence variant interpretation guidelines (Richards et al. 2015 PMID: 25741868, with internal and published modifications).